The following is an entry in ClinVar:

ClinVar aggregate classification (germline): Uncertain significance (1 of 4 stars; one submission).

Conditions:
Cardiovascular phenotype. Identifiers: MedGen CN230736.

Allele frequency attached by ClinVar (database versions not stated): gnomAD 0.00001.

Submission:

Ambry Genetics
Classification: Uncertain significance for Cardiovascular phenotype. Last evaluated: 2021-11-09. Review status: criteria provided, single submitter. Criteria: Ambry Variant Classification Scheme 2023. Collection method: clinical testing. Allele origin: germline.
Comment: The p.P61L variant (also known as c.182C>T), located in coding exon 2 of the TBX1 gene, results from a C to T substitution at nucleotide position 182. The proline at codon 61 is replaced by leucine, an amino acid with similar properties. This amino acid position is conserved. In addition, this alteration is predicted to be tolerated by in silico analysis. Since supporting evidence is limited at this time, the clinical significance of this alteration remains unclear.

NM_001379200.1(TBX1):c.209C>T (p.Pro70Leu)

Gene: TBX1 (T-box transcription factor 1; plus strand). Cytogenetic location: 22q11.21.
Variant type: single nucleotide variant.
Coding change: c.209C>T on transcript NM_001379200.1 (MANE Select); coding-DNA position 209, C replaced by T.
Protein change: p.Pro70Leu; replaces proline 70 with leucine.
Molecular consequence: missense variant.
Genome position (GRCh38, 1-based): chr22:19,761,052, C>T. VCF-style: chr22-19761052-C-T. GRCh37 (hg19) VCF-style: chr22-19748575-C-T.
Other names: c.182C>T, p.Pro61Leu (NM_005992.1, NM_080646.2, NM_080647.1); short protein forms P61L, P70L.
Identifiers: ClinVar variation 1780916 (VCV001780916.2), dbSNP rs1936642132, ClinGen allele CA410681379.